The following is an entry in ClinVar:

ClinVar aggregate classification (germline): Uncertain significance. Review status: criteria provided, multiple submitters, no conflicts (2 of 4 stars). 3 submissions from 3 submitters: Uncertain significance (3). Last evaluated 2024-11-09.

Conditions:
Hereditary spastic paraplegia 48. Also called: SPASTIC PARAPLEGIA 48, AUTOSOMAL RECESSIVE; Spastic paraplegia 48. Identifiers: Orphanet 306511, MedGen C3150901, MONDO:0013342, OMIM 613647.
Inborn genetic diseases. Identifiers: MedGen C0950123, MeSH D030342.

Allele frequency attached by ClinVar (database versions not stated): TOPMed below 0.00001; ExAC 0.00001; gnomAD 0.00001; gnomAD exomes 0.00001.
gnomAD v4.1: 4 of 1,612,180 alleles (0.00025%); highest among the groups gnomAD compares: Non-Finnish European, 0.00034%; no homozygotes.

Submissions (3):

Ambry Genetics
Classification: Uncertain significance for Inborn genetic diseases. Last evaluated: 2024-11-09. Review status: criteria provided, single submitter. Criteria: Ambry Variant Classification Scheme 2023. Collection method: clinical testing. Allele origin: germline.

Athena Diagnostics
Classification: Uncertain significance. Last evaluated: 2018-08-09. Review status: criteria provided, single submitter. Criteria: Athena Diagnostics Criteria. Collection method: clinical testing. Allele origin: germline.

Labcorp Genetics (formerly Invitae), Labcorp
Classification: Uncertain significance for Hereditary spastic paraplegia 48. Last evaluated: 2018-04-09. Review status: criteria provided, single submitter. Criteria: Invitae Variant Classification Sherloc (09022015). Collection method: clinical testing. Allele origin: germline.
Comment: In summary, the available evidence is currently insufficient to determine the role of this variant in disease. Therefore, it has been classified as a Variant of Uncertain Significance. Algorithms developed to predict the effect of missense changes on protein structure and function do not agree on the potential impact of this missense change (SIFT: "Deleterious"; PolyPhen-2: "Probably Damaging"; Align-GVGD: "Class C0"). This variant has not been reported in the literature in individuals with AP5Z1-related disease. This variant is present in population databases (rs779642265, ExAC 0.002%). This sequence change replaces aspartic acid with glycine at codon 782 of the AP5Z1 protein (p.Asp782Gly). The aspartic acid residue is highly conserved and there is a moderate physicochemical difference between aspartic acid and glycine.

NM_014855.3(AP5Z1):c.2345A>G (p.Asp782Gly)

Gene: AP5Z1 (adaptor related protein complex 5 subunit zeta 1; plus strand). Cytogenetic location: 7p22.1.
Variant type: single nucleotide variant.
Coding change: c.2345A>G on transcript NM_014855.3 (MANE Select); coding-DNA position 2345, A replaced by G.
Protein change: p.Asp782Gly; replaces aspartic acid 782 with glycine.
Molecular consequence: missense variant. On other transcripts: non-coding transcript variant (1).
Genome position (GRCh38, 1-based): chr7:4,791,306, A>G. VCF-style: chr7-4791306-A-G. GRCh37 (hg19) VCF-style: chr7-4830937-A-G.
Other names: c.2345A>G, p.Asp782Gly (LRG_1247t1); c.1877A>G, p.Asp626Gly (NM_001364858.1); short protein forms D782G, D626G.
Identifiers: ClinVar variation 580931 (VCV000580931.10), dbSNP rs779642265, ClinGen allele CA4138445.